The following is an entry in ClinVar:

NM_000444.6(PHEX):c.2104C>T (p.Arg702Ter)

Genes: PHEX (phosphate regulating endopeptidase X-linked; plus strand), PTCHD1-AS (PTCHD1 and PHEX antisense RNA; minus strand). Cytogenetic location: Xp22.11.
Variant type: single nucleotide variant.
Coding change: c.2104C>T on transcript NM_000444.6 (MANE Select); coding-DNA position 2104, C replaced by T.
Protein change: p.Arg702Ter; replaces arginine 702 with a stop codon.
Molecular consequence: nonsense. On other transcripts: intron variant (1).
Genome position (GRCh38, 1-based): chrX:22,245,366, C>T. VCF-style: chrX-22245366-C-T. GRCh37 (hg19) VCF-style: chrX-22263483-C-T.
Other names: c.2071-2485C>T (NM_001282754.2); short protein forms R702*.
Identifiers: ClinVar variation 279872 (VCV000279872.23), dbSNP rs886041226, ClinGen allele CA10603719.

ClinVar aggregate classification (germline): Pathogenic. Review status: criteria provided, multiple submitters, no conflicts (2 of 4 stars). 10 submissions from 10 submitters: Pathogenic (9). 1 of the submissions does not count toward it. Last evaluated 2026-01-13.

Conditions:
PHEX-related disorder. Also called: PHEX-related condition.
Childhood hypophosphatasia. Identifiers: Orphanet 247667, Orphanet 436, MedGen C0220743, MONDO:1010168, OMIM 241510, MONDO:0009428.
Familial X-linked hypophosphatemic vitamin D refractory rickets (XLHRD). Also called: X-Linked Hypophosphatemia; HYPOPHOSPHATEMIC VITAMIN D-RESISTANT RICKETS; Hypophosphatemic Rickets, X-Linked Dominant; Hypophosphatemia, vitamin D-resistant rickets; Vitamin D-resistant rickets, X-linked. Identifiers: Orphanet 89936, MedGen C0733682, MONDO:0010619, OMIM 307800.

Submissions (10):

Labcorp Genetics (formerly Invitae), Labcorp
Classification: Pathogenic. Last evaluated: 2026-01-13. Review status: criteria provided, single submitter. Criteria: Invitae Variant Classification Sherloc (09022015). Collection method: clinical testing. Allele origin: germline.
Comment: This sequence change creates a premature translational stop signal (p.Arg702*) in the PHEX gene. While this is not anticipated to result in nonsense mediated decay, it is expected to disrupt the last 48 amino acid(s) of the PHEX protein. This variant is not present in population databases (gnomAD no frequency). This premature translational stop signal has been observed in individual(s) with hypophosphatemic rickets (PMID: 9097956, 9768674, 21902834, 23079138, 29505567). In at least one individual the variant was observed to be de novo. ClinVar contains an entry for this variant (Variation ID: 279872). For these reasons, this variant has been classified as Pathogenic.

Genomic Medicine Center of Excellence, King Faisal Specialist Hospital and Research Centre
Classification: Pathogenic for Familial X-linked hypophosphatemic vitamin D refractory rickets. Last evaluated: 2024-10-07. Review status: criteria provided, single submitter. Criteria: ACMG Guidelines, 2015. Collection method: clinical testing. Allele origin: germline.

PreventionGenetics, part of Exact Sciences
Classification: Pathogenic for PHEX-related condition. Last evaluated: 2022-11-22. Review status: criteria provided, single submitter. Criteria: ACMG Guidelines, 2015. Collection method: clinical testing. Allele origin: germline.
Comment: The PHEX c.2104C>T variant is predicted to result in premature protein termination (p.Arg702*). This variant was reported to be pathogenic for X-linked hypophosphataemic rickets (see examples: Rowe et al 1997. PubMed ID: 9097956; Figure 3A, Zhang et al 2019. PubMed ID: 30682568; Table S1, Park et al 2021. PubMed ID: 34434907). This variant has not been reported in a large population database, indicating this variant is rare. Nonsense variants in PHEX are expected to be pathogenic. This variant is interpreted as pathogenic.

GeneDx
Classification: Pathogenic. Last evaluated: 2021-12-23. Review status: criteria provided, single submitter. Criteria: GeneDx Variant Classification Process June 2021. Collection method: clinical testing. Allele origin: germline. Affected: yes.
Comment: Nonsense variant in the C-terminus predicted to result in protein truncation, as the last 48 amino acids are lost, and other loss-of-function variants have been reported downstream in the Human Gene Mutation Database (HGMD); Reported in multiple unrelated individuals with hypophosphatemic rickets (Rowe et al., 1997; Holm et al., 2001; Zivicnjak et al., 2011; Morey et al., 2011; Cheon et al., 2014; Zhang et al., 2015; Acar et al., 2018; Lin et al., 2020; Thiele et al., 2020); Not observed in large population cohorts (gnomAD); This variant is associated with the following publications: (PMID: 25894638, 16636593, 9768674, 32253725, 24926462, 26377240, 11502829, 23079138, 19219621, 21994957, 21902834, 29505567, 30682568, 33107440, 34434907, 34141703, 9097956)

Blueprint Genetics
Classification: Pathogenic for PHEX-related disorders. Last evaluated: 2019-11-11. Review status: criteria provided, single submitter. Criteria: ACMG Guidelines, 2015. Collection method: clinical testing. Allele origin: germline. Affected: yes. Observed: 3 variant alleles.

Athena Diagnostics
Classification: Pathogenic. Last evaluated: 2018-10-04. Review status: criteria provided, single submitter. Criteria: Athena Diagnostics Criteria. Collection method: clinical testing. Allele origin: germline.
Comment: The variant creates a premature nonsense codon, and is therefore predicted to significantly disrupt the protein structure. Found in at least one symptomatic patient, and not found in general population data.

Institute of Human Genetics Munich, TUM University Hospital
Classification: Pathogenic for Familial X-linked hypophosphatemic vitamin D refractory rickets. Last evaluated: 2017-06-12. Review status: criteria provided, single submitter. Criteria: Classification criteria August 2017. Collection method: clinical testing. Allele origin: germline. Inheritance: X-linked inheritance. Affected: yes. Observed: 1 heterozygote, 1 hemizygote.

Clinical Biomedical Laboratory, Shriners Hospital For Children - Canada
Classification: Pathogenic for Familial X-linked hypophosphatemic vitamin D refractory rickets. Review status: criteria provided, single submitter. Criteria: ACMG Guidelines, 2015. Collection method: clinical testing. Allele origin: germline. Affected: yes.
Comment: This variant is predicted to substitute an arginine residue by a stop codon. This is expected to lead to degradation of the affected transcript and loss of function of the affected allele. Loss of function variants in PHEX are associated with X-linked hypophosphatemic rickets which corresponds to the phenotype of the proband. This variant is absent from the Genome Aggregation Database (v2.1.1.), indicating it is very rare. This variant has been reported in the literature several times (e.g., PMID 21902834). Based on the ACMG variant interpretation guidelines (criteria: PVS1, PS2, PM2), the available evidence supports classification of this variant as pathogenic.

Juno Genomics, Hangzhou Juno Genomics, Inc
Classification: Pathogenic for Familial X-linked hypophosphatemic vitamin D refractory rickets. Review status: criteria provided, single submitter. Criteria: ACMG Guidelines, 2015. Collection method: clinical testing. Allele origin: germline. Affected: yes.
Comment: Absent from controls (or at extremely low frequency if recessive) in Genome Aggregation Database, Exome Sequencing Project, 1000 Genomes Project, or Exome Aggregation Consortium.;Null variant in a gene where loss of function (LOF) is a known mechanism of disease.;The prevalence of the variant in affected individuals is significantly increased compared to the prevalence in controls.;Assumed de novo, but without confirmation of paternity and maternity.

Department of Pediatric Endocrinology, Shriners Hospitals for Children - Mexico City
No classification provided. Condition: Childhood hypophosphatasia. Review status: no classification provided. Collection method: phenotyping only. Allele origin: germline. Inheritance: X-linked dominant inheritance. Affected: yes. Observed: 4 variant alleles, 1 hemizygote. Clinical features observed: Hypophosphatemic rickets. Not counted in ClinVar's aggregate classification.

Literature cited by the submitters: PubMed 9097956 (cited by 3 submitters); PubMed 9768674 (cited by Labcorp Genetics (formerly Invitae), Labcorp and Athena Diagnostics); PubMed 21902834 (cited by Labcorp Genetics (formerly Invitae), Labcorp and Athena Diagnostics); PubMed 23079138 (cited by Labcorp Genetics (formerly Invitae), Labcorp); PubMed 29505567 (cited by Labcorp Genetics (formerly Invitae), Labcorp and Athena Diagnostics); PubMed 11502829 (cited by Athena Diagnostics); PubMed 26377240 (cited by Athena Diagnostics); PubMed 19219621 (cited by Athena Diagnostics); PubMed 21994957 (cited by Athena Diagnostics).